The following is an entry in ClinVar:

NM_001267550.2(TTN):c.107153dup (p.Asn35718fs)

Genes: TTN (titin; minus strand), TTN-AS1 (TTN antisense RNA 1; plus strand). Cytogenetic location: 2q31.2.
Variant type: Duplication.
Coding change: c.107153dup on transcript NM_001267550.2 (MANE Select); coding-DNA position 107153, one base duplicated (A; older notation c.107153dupA).
Protein change: p.Asn35718fs; shifts the reading frame from asparagine 35718.
Molecular consequence: frameshift variant.
Genome position (GRCh38, 1-based): chr2:178,528,598, T duplicated on the plus strand (A on the coding strand, the reverse complement: TTN is on the minus strand); the first of 4 consecutive T bases (chr2:178,528,598-178,528,601); duplicating any one gives the same sequence. VCF-style (leftmost placement, unchanged base first): chr2-178528597-A-AT. GRCh37 (hg19) VCF-style: chr2-179393324-A-AT.
Other names: c.79958dup, p.Asn26653fs (NM_003319.4); c.99449dup, p.Asn33150fs (NM_133378.4); c.80333dup, p.Asn26778fs (NM_133432.3); c.80534dup, p.Asn26845fs (NM_133437.4); c.102230dup, p.Asn34077fs (NM_001256850.1); short protein forms N26653fs, N26778fs, N26845fs, N33150fs, N34077fs, N35718fs.
Identifiers: ClinVar variation 2572411 (VCV002572411.2), dbSNP rs2468294294, ClinGen allele CA2580614420.

ClinVar aggregate classification (germline): Likely pathogenic. Review status: criteria provided, single submitter (1 of 4 stars). 2 submissions from 2 submitters: Likely pathogenic (1). 1 of the submissions does not count toward it.

Conditions:
Early-onset myopathy with fatal cardiomyopathy (CMYO5). Also called: CONGENITAL MYOPATHY 5 WITH CARDIOMYOPATHY; Salih Myopathy. Identifiers: Orphanet 289377, MedGen C2673677, MONDO:0012714, OMIM 611705. Disease mechanism: loss of function.
Dilated cardiomyopathy 1G (CMD1G). Identifiers: Orphanet 154, MedGen C1858763, MONDO:0011400, OMIM 604145.

Submissions (2):

3billion
Classification: Likely pathogenic for Early-onset myopathy with fatal cardiomyopathy. Review status: criteria provided, single submitter. Criteria: ACMG Guidelines, 2015. Collection method: clinical testing. Allele origin: unknown. Affected: yes. Observed: 1 heterozygote.
Comment: The variant is not observed in the gnomAD v2.1.1 dataset. The variant is predicted to result in a loss or disruption of normal protein function through nonsense-mediated decay (NMD) or protein truncation. Multiple pathogenic variants are reported downstream of the variant. Therefore, this variant is classified as Likely pathogenic according to the recommendation of ACMG/AMP guideline.

Cardiogenetics and Myogenetics Molecular and Cellular Functional Unit, Aphp Sorbonne University-Hopital Pitie Salpetriere
Classification: Likely pathogenic for Dilated cardiomyopathy 1G. Last evaluated: 2024-01-06. Review status: no assertion criteria provided. Collection method: clinical testing. Allele origin: germline. Affected: yes. Not counted in ClinVar's aggregate classification.